The following is an entry in ClinVar:

NM_001267550.2(TTN):c.14301C>A (p.Cys4767Ter)

Gene: TTN (titin; minus strand). Cytogenetic location: 2q31.2.
Variant type: single nucleotide variant.
Coding change: c.14301C>A on transcript NM_001267550.2 (MANE Select); coding-DNA position 14301, C replaced by A.
Protein change: p.Cys4767Ter; replaces cysteine 4767 with a stop codon.
Molecular consequence: nonsense.
Genome position (GRCh38, 1-based): chr2:178,738,152, G>T on the plus strand (C>A on the coding strand, the complement: TTN is on the minus strand). VCF-style: chr2-178738152-G-T. GRCh37 (hg19) VCF-style: chr2-179602879-G-T.
Other names: c.13350C>A, p.Cys4450Ter (NM_001256850.1); c.13212C>A, p.Cys4404Ter (NM_003319.4); c.10569C>A, p.Cys3523Ter (NM_133378.4); c.13587C>A, p.Cys4529Ter (NM_133432.3); c.13788C>A, p.Cys4596Ter (NM_133437.4); short protein forms C4404*, C4767*, C3523*, C4450*, C4596*, C4529*.
Identifiers: ClinVar variation 1769911 (VCV001769911.6), dbSNP rs1217230000, ClinGen allele CA349602096.
Genomic context (GRCh38, chr2:178,738,152, plus strand): 5'-TAGTGTGGCTGTACAGCTGACACTGCCATACTCATTGGAAGCTTTGCATGTATACTCGCC[G>T]CAGTCAACCACCTGGGTTCTCAGGATTTCAAGGCTGGAGATATACTTTGAAGATCGAATA-3'

ClinVar aggregate classification (germline): Pathogenic/Likely pathogenic. Review status: criteria provided, multiple submitters, no conflicts (2 of 4 stars). 2 submissions from 2 submitters: Pathogenic (1); Likely pathogenic (1). Last evaluated 2025-09-22.

Conditions:
Cardiovascular phenotype. Identifiers: MedGen CN230736.
Dilated cardiomyopathy 1G (CMD1G). Identifiers: Orphanet 154, MedGen C1858763, MONDO:0011400, OMIM 604145.
Autosomal recessive limb-girdle muscular dystrophy type 2J (LGMDR10). Also called: Limb-girdle muscular dystrophy, type 2J; MUSCULAR DYSTROPHY, LIMB-GIRDLE, AUTOSOMAL RECESSIVE 10. Identifiers: Orphanet 140922, MedGen C1837342, MONDO:0012127, OMIM 608807.

Submissions (2):

Labcorp Genetics (formerly Invitae), Labcorp
Classification: Pathogenic for Dilated cardiomyopathy 1G; Autosomal recessive limb-girdle muscular dystrophy type 2J. Last evaluated: 2025-09-22. Review status: criteria provided, single submitter. Criteria: Invitae Variant Classification Sherloc (09022015). Collection method: clinical testing. Allele origin: germline.
Comment: This sequence change creates a premature translational stop signal (p.Cys4767*) in the TTN gene. While this is not anticipated to result in nonsense mediated decay, it is expected to create a truncated TTN protein. This variant is not present in population databases (gnomAD no frequency). This premature translational stop signal has been observed in individuals with dilated cardiomyopathy (PMID: 34731013; internal data). ClinVar contains an entry for this variant (Variation ID: 1769911). Algorithms developed to predict the effect of sequence changes on RNA splicing suggest that this variant may disrupt the consensus splice site. This variant is located in the I band of TTN (PMID: 25589632). Truncating variants in this region have been reported in individuals affected with autosomal recessive centronuclear myopathy (PMID: 23975875, internal data). Truncating variants in this region have also been identified in individuals affected with autosomal dominant dilated cardiomyopathy and/or cardio-related conditions (PMID: 27869827, 32964742, internal data). For these reasons, this variant has been classified as Pathogenic.

Ambry Genetics
Classification: Likely pathogenic for Cardiovascular phenotype. Last evaluated: 2024-05-28. Review status: criteria provided, single submitter. Criteria: Ambry Variant Classification Scheme 2023. Collection method: clinical testing. Allele origin: germline.
Comment: The p.C4404* variant (also known as c.13212C>A), located in coding exon 45 of the TTN gene, results from a C to A substitution at nucleotide position 13212. This changes the amino acid from a cysteine to a stop codon within coding exon 45. This exon is located in the I-band region of the N2-B isoform of the titin protein and is constitutively expressed in TTN transcripts (percent spliced in or PSI 100%). While truncating variants in TTN are present in 1-3% of the general population, truncating variants in the A-band are the most common cause of dilated cardiomyopathy (DCM) (Herman DS et al. N. Engl. J. Med. 2012 Feb;366:619-28; Roberts AM et al. Sci Transl Med. 2015 Jan;7:270ra6). TTN truncating variants encoded in constitutive exons (PSI >90%) have been found to be significantly associated with DCM regardless of their position in titin (Schafer S et al. Nat. Genet. 2017 Jan;49:46-53). This variant is considered to be rare based on population cohorts in the Genome Aggregation Database (gnomAD). Based on the majority of available evidence to date, this variant is likely to be pathogenic.

Literature cited by the submitters: PubMed 34731013 (cited by Labcorp Genetics (formerly Invitae), Labcorp); PubMed 25589632 (cited by Labcorp Genetics (formerly Invitae), Labcorp); PubMed 23975875 (cited by Labcorp Genetics (formerly Invitae), Labcorp); PubMed 27869827 (cited by Labcorp Genetics (formerly Invitae), Labcorp); PubMed 32964742 (cited by Labcorp Genetics (formerly Invitae), Labcorp).